The following is an entry in ClinVar:

ClinVar aggregate classification (germline): Uncertain significance. Review status: criteria provided, multiple submitters, no conflicts (2 of 4 stars). 2 submissions from 2 submitters: Uncertain significance (2). Last evaluated 2024-12-12.

Conditions:
Autism spectrum disorder due to AUTS2 deficiency (MRD26). Also called: INTELLECTUAL DEVELOPMENTAL DISORDER, AUTOSOMAL DOMINANT 26. Identifiers: Orphanet 352490, MedGen C4014435, MONDO:0014361, OMIM 615834.

Allele frequency attached by ClinVar (database versions not stated): gnomAD exomes 0.00001.
gnomAD v4.1: 5 of 1,614,052 alleles (0.00031%); highest among the groups gnomAD compares: Admixed American, 0.0083%; no homozygotes.

Submissions (2):

Labcorp Genetics (formerly Invitae), Labcorp
Classification: Uncertain significance. Last evaluated: 2024-12-12. Review status: criteria provided, single submitter. Criteria: Invitae Variant Classification Sherloc (09022015). Collection method: clinical testing. Allele origin: germline.
Comment: This sequence change replaces histidine, which is basic and polar, with proline, which is neutral and non-polar, at codon 790 of the AUTS2 protein (p.His790Pro). This variant is present in population databases (no rsID available, gnomAD 0.006%). This variant has not been reported in the literature in individuals affected with AUTS2-related conditions. ClinVar contains an entry for this variant (Variation ID: 2163168). Invitae Evidence Modeling of protein sequence and biophysical properties (such as structural, functional, and spatial information, amino acid conservation, physicochemical variation, residue mobility, and thermodynamic stability) indicates that this missense variant is not expected to disrupt AUTS2 protein function with a negative predictive value of 80%. In summary, the available evidence is currently insufficient to determine the role of this variant in disease. Therefore, it has been classified as a Variant of Uncertain Significance.

Laboratorio de Genetica e Diagnostico Molecular, Hospital Israelita Albert Einstein
Classification: Uncertain significance for Autism spectrum disorder due to AUTS2 deficiency. Last evaluated: 2022-10-31. Review status: criteria provided, single submitter. Criteria: ACMG Guidelines, 2015. Collection method: clinical testing. Allele origin: germline. Affected: yes. Observed: 1 variant allele.
Comment: ACMG classification criteria: PM2 supporting, BP4 supporting

NM_015570.4(AUTS2):c.2369A>C (p.His790Pro)

Gene: AUTS2 (activator of transcription and developmental regulator AUTS2; plus strand). Cytogenetic location: 7q11.22.
Variant type: single nucleotide variant.
Coding change: c.2369A>C on transcript NM_015570.4 (MANE Select); coding-DNA position 2369, A replaced by C.
Protein change: p.His790Pro; replaces histidine 790 with proline.
Molecular consequence: missense variant.
Genome position (GRCh38, 1-based): chr7:70,787,269, A>C. VCF-style: chr7-70787269-A-C. GRCh37 (hg19) VCF-style: chr7-70252255-A-C.
Other names: c.2297A>C, p.His766Pro (NM_001127231.3); short protein forms H766P, H790P.
Identifiers: ClinVar variation 2163168 (VCV002163168.4), dbSNP rs1258122802, ClinGen allele CA367663940.
Genomic context (GRCh38, chr7:70,787,269, plus strand): 5'-CACCCAACTCAATGTTCGGCCACAAGGATGGCCCCAGTGTGCAGAACTTTAGCAACCCTC[A>C]CGAACCCTGGAACCGGCTGCACCGAACGCCTCCGTCGTTCCCGACCCCTCCGCCCTGGCT-3'
Protein context (NP_056385.1, residues 780-800): GPSVQNFSNP[His790Pro]EPWNRLHRTP